The following is an entry in ClinVar:

NM_003227.4(TFR2):c.1771G>C (p.Asp591His)

Gene: TFR2 (transferrin receptor 2; minus strand). Cytogenetic location: 7q22.1.
Variant type: single nucleotide variant.
Coding change: c.1771G>C on transcript NM_003227.4 (MANE Select); coding-DNA position 1771, G replaced by C.
Protein change: p.Asp591His; replaces aspartic acid 591 with histidine.
Molecular consequence: missense variant.
Genome position (GRCh38, 1-based): chr7:100,627,488, C>G on the plus strand (G>C on the coding strand, the complement: TFR2 is on the minus strand). VCF-style: chr7-100627488-C-G. GRCh37 (hg19) VCF-style: chr7-100225111-C-G.
Other names: c.1258G>C, p.Asp420His (NM_001206855.3); short protein forms D591H, D420H.
Identifiers: ClinVar variation 410077 (VCV000410077.8), dbSNP rs1060502723, ClinGen allele CA16611969.

ClinVar aggregate classification (germline): Uncertain significance. Review status: criteria provided, single submitter (1 of 4 stars). 2 submissions from 2 submitters: Uncertain significance (1). 1 of the submissions does not count toward it. Last evaluated 2021-08-26.

Conditions:
Hereditary hemochromatosis (HFE). Identifiers: MedGen C0392514, MONDO:0006507. Disease mechanism: loss of function.
Hemochromatosis type 3 (HFE3). Also called: TFR2-Related Hemochromatosis; Hereditary hemochromatosis type 3; HEMOCHROMATOSIS DUE TO DEFECT IN TRANSFERRIN RECEPTOR 2. Identifiers: Orphanet 225123, MedGen C1858664, MONDO:0011417, OMIM 604250.

Allele frequency attached by ClinVar (database versions not stated): TOPMed below 0.00001.
gnomAD v4.1: 15 of 1,611,078 alleles (0.00093%); highest among the groups gnomAD compares: Non-Finnish European, 0.0012%; no homozygotes.

Submissions (2):

Labcorp Genetics (formerly Invitae), Labcorp
Classification: Uncertain significance for Hereditary hemochromatosis. Last evaluated: 2021-08-26. Review status: criteria provided, single submitter. Criteria: Invitae Variant Classification Sherloc (09022015). Collection method: clinical testing. Allele origin: germline.
Comment: This sequence change replaces aspartic acid with histidine at codon 591 of the TFR2 protein (p.Asp591His). The aspartic acid residue is weakly conserved and there is a moderate physicochemical difference between aspartic acid and histidine. This variant is not present in population databases (ExAC no frequency). This variant has not been reported in the literature in individuals affected with TFR2-related conditions. Algorithms developed to predict the effect of missense changes on protein structure and function (SIFT, PolyPhen-2, Align-GVGD) all suggest that this variant is likely to be tolerated. In summary, the available evidence is currently insufficient to determine the role of this variant in disease. Therefore, it has been classified as a Variant of Uncertain Significance.

Natera, Inc.
Classification: Uncertain significance for Hereditary hemochromatosis type 3. Last evaluated: 2020-12-22. Review status: no assertion criteria provided. Collection method: clinical testing. Allele origin: germline. Not counted in ClinVar's aggregate classification.